The following is an entry in ClinVar:

ClinVar aggregate classification (germline): Uncertain significance (1 of 4 stars; one submission).

Conditions:
Singleton-Merten syndrome 1 (SGMRT1). Also called: Widened medullary cavities of bone, aortic calcification, abnormal dentition, and muscular weakness; Syndrome of widened medullary cavities of the metacarpals and phalanges, aortic calcification and abnormal dentition. Identifiers: Orphanet 85191, MedGen C4225427, MONDO:0024535, OMIM 182250.
Aicardi-Goutieres syndrome 7 (AGS7). Identifiers: Orphanet 51, MedGen C3888244, MONDO:0014367, OMIM 615846.

Allele frequency attached by ClinVar (database versions not stated): ExAC 0.00001; gnomAD exomes 0.00001; gnomAD 0.00003; TOPMed 0.00003.
gnomAD v4.1: 23 of 1,611,586 alleles (0.0014%); highest among the groups gnomAD compares: African/African-American, 0.008%; no homozygotes.

Submission:

Labcorp Genetics (formerly Invitae), Labcorp
Classification: Uncertain significance for Aicardi-Goutieres syndrome 7; Singleton-Merten syndrome 1. Last evaluated: 2024-12-17. Review status: criteria provided, single submitter. Criteria: Invitae Variant Classification Sherloc (09022015). Collection method: clinical testing. Allele origin: germline.
Comment: This sequence change replaces tryptophan, which is neutral and slightly polar, with arginine, which is basic and polar, at codon 384 of the IFIH1 protein (p.Trp384Arg). This variant is present in population databases (rs756003596, gnomAD 0.01%). This variant has not been reported in the literature in individuals affected with IFIH1-related conditions. ClinVar contains an entry for this variant (Variation ID: 2188960). Invitae Evidence Modeling of protein sequence and biophysical properties (such as structural, functional, and spatial information, amino acid conservation, physicochemical variation, residue mobility, and thermodynamic stability) has been performed for this missense variant. However, the output from this modeling did not meet the statistical confidence thresholds required to predict the impact of this variant on IFIH1 protein function. In summary, the available evidence is currently insufficient to determine the role of this variant in disease. Therefore, it has been classified as a Variant of Uncertain Significance.

NM_022168.4(IFIH1):c.1150T>C (p.Trp384Arg)

Gene: IFIH1 (interferon induced with helicase C domain 1; minus strand). Cytogenetic location: 2q24.2.
Variant type: single nucleotide variant.
Coding change: c.1150T>C on transcript NM_022168.4 (MANE Select); coding-DNA position 1150, T replaced by C.
Protein change: p.Trp384Arg; replaces tryptophan 384 with arginine.
Molecular consequence: missense variant.
Genome position (GRCh38, 1-based): chr2:162,282,522, A>G on the plus strand (T>C on the coding strand, the complement: IFIH1 is on the minus strand). VCF-style: chr2-162282522-A-G. GRCh37 (hg19) VCF-style: chr2-163139032-A-G.
Other names: short protein forms W384R.
Identifiers: ClinVar variation 2188960 (VCV002188960.3), dbSNP rs756003596, ClinGen allele CA1934602.